The following is an entry in ClinVar:

ClinVar aggregate classification (germline): Uncertain significance (1 of 4 stars; one submission).

Allele frequency attached by ClinVar (database versions not stated): gnomAD 0.00001.
gnomAD v4.1: 13 of 1,613,998 alleles (0.00081%); highest among the groups gnomAD compares: Non-Finnish European, 0.0011%; no homozygotes.

Submission:

Labcorp Genetics (formerly Invitae), Labcorp
Classification: Uncertain significance. Last evaluated: 2024-01-29. Review status: criteria provided, single submitter. Criteria: Invitae Variant Classification Sherloc (09022015). Collection method: clinical testing. Allele origin: germline.
Comment: This sequence change replaces glutamic acid, which is acidic and polar, with lysine, which is basic and polar, at codon 261 of the COL10A1 protein (p.Glu261Lys). This variant is not present in population databases (gnomAD no frequency). This variant has not been reported in the literature in individuals affected with COL10A1-related conditions. Advanced modeling of protein sequence and biophysical properties (such as structural, functional, and spatial information, amino acid conservation, physicochemical variation, residue mobility, and thermodynamic stability) performed at Invitae indicates that this missense variant is not expected to disrupt COL10A1 protein function with a negative predictive value of 80%. In summary, the available evidence is currently insufficient to determine the role of this variant in disease. Therefore, it has been classified as a Variant of Uncertain Significance.

NM_000493.4(COL10A1):c.781G>A (p.Glu261Lys)

Genes: COL10A1 (collagen type X alpha 1 chain; minus strand), NT5DC1 (5'-nucleotidase domain containing 1; plus strand). Cytogenetic location: 6q22.1.
Variant type: single nucleotide variant.
Coding change: c.781G>A on transcript NM_000493.4 (MANE Select); coding-DNA position 781, G replaced by A.
Protein change: p.Glu261Lys; replaces glutamic acid 261 with lysine.
Molecular consequence: missense variant. On other transcripts: intron variant (1).
Genome position (GRCh38, 1-based): chr6:116,121,335, C>T on the plus strand (G>A on the coding strand, the complement: COL10A1 is on the minus strand). VCF-style: chr6-116121335-C-T. GRCh37 (hg19) VCF-style: chr6-116442498-C-T.
Other names: c.781G>A, p.Glu261Lys (NM_001424106.1, NM_001424107.1); c.529+3390C>T (NM_152729.3); short protein forms E261K.
Identifiers: ClinVar variation 3016130 (VCV003016130.3), dbSNP rs754139727, ClinGen allele CA145909631.